The following is an entry in ClinVar:

ClinVar aggregate classification (germline): Uncertain significance. Review status: criteria provided, multiple submitters, no conflicts (2 of 4 stars). 2 submissions from 2 submitters: Uncertain significance (2). Last evaluated 2022-12-22.

Conditions:
Hereditary cancer-predisposing syndrome. Also called: Hereditary Cancer Syndrome; Hereditary neoplastic syndrome; Neoplastic Syndromes, Hereditary; Tumor predisposition. Identifiers: Orphanet 140162, MedGen C0027672, MeSH D009386, MONDO:0015356.
Familial cancer of breast. Also called: BREAST CANCER, FAMILIAL; Hereditary breast cancer; hereditary breast carcinoma. Identifiers: Orphanet 227535, MedGen C0346153, MONDO:0016419, OMIM 114480. Disease mechanism: loss of function.

Submissions (2):

Ambry Genetics
Classification: Uncertain significance for Hereditary cancer-predisposing syndrome. Last evaluated: 2022-12-22. Review status: criteria provided, single submitter. Criteria: Ambry Variant Classification Scheme 2023. Collection method: clinical testing. Allele origin: germline.
Comment: The c.1314+5delG intronic variant, located in intron 4 of the BARD1 gene, results from a deletion of one nucleotide within intron 4 of the BARD1 gene. This nucleotide position is well conserved in available vertebrate species. In silico splice site analysis predicts that this alteration will weaken the native splice donor site. Since supporting evidence is limited at this time, the clinical significance of this alteration remains unclear.

Labcorp Genetics (formerly Invitae), Labcorp
Classification: Uncertain significance for Familial cancer of breast. Last evaluated: 2016-07-02. Review status: criteria provided, single submitter. Criteria: Invitae Variant Classification Sherloc (09022015). Collection method: clinical testing. Allele origin: germline.
Comment: This variant is not present in population databases (ExAC no frequency) and has not been reported in the literature in individuals with a BARD1-related disease. Nucleotide substitutions within the consensus splice site are relatively common causes of aberrant splicing (PMID: 17576681, 9536098). Algorithms developed to predict the effect of nucleotide changes on mRNA splicing suggest that this variant may alter mRNA splicing, but this prediction has not been confirmed by published transcriptional studies. In summary, this is a novel intronic change with uncertain impact on splicing. It has been classified as a Variant of Uncertain Significance. This sequence change falls in intron 4 of the BARD1 mRNA. It does not directly change the encoded amino acid sequence of the BARD1 protein, but it affects a nucleotide within the consensus splice site of the intron.

Literature cited by the submitters: PubMed 17576681 (cited by Labcorp Genetics (formerly Invitae), Labcorp); PubMed 9536098 (cited by Labcorp Genetics (formerly Invitae), Labcorp).

NM_000465.4(BARD1):c.1314+5del

Gene: BARD1 (BRCA1 associated RING domain 1; minus strand). Cytogenetic location: 2q35.
Variant type: Deletion.
Coding change: c.1314+5del on transcript NM_000465.4 (MANE Select); 5 bases into the intron after coding-DNA position 1314, one base deleted (G; older notation c.1314+5delG).
Molecular consequence: intron variant.
Genome position (GRCh38, 1-based): chr2:214,780,555, C deleted on the plus strand (G on the coding strand, the reverse complement: BARD1 is on the minus strand); the first of 2 consecutive C bases (chr2:214,780,555-214,780,556); deleting either gives the same sequence. VCF-style (leftmost placement, unchanged base first): chr2-214780554-TC-T. GRCh37 (hg19) VCF-style: chr2-215645278-TC-T.
Other names: c.1314+5delG (NM_000465.3, NM_000465.2); c.159-28000del (NM_001282548.2); c.1257+5del (NM_001282543.2); c.215+16506del (NM_001282545.2); c.364+11742del (NM_001282549.2).
Identifiers: ClinVar variation 406751 (VCV000406751.9), dbSNP rs1060501290, ClinGen allele CA16610732.